The following is an entry in ClinVar:

NM_014915.3(ANKRD26):c.1674G>A (p.Met558Ile)

Gene: ANKRD26 (ankyrin repeat domain containing 26; minus strand). Cytogenetic location: 10p12.1.
Variant type: single nucleotide variant.
Coding change: c.1674G>A on transcript NM_014915.3 (MANE Select); coding-DNA position 1674, G replaced by A.
Protein change: p.Met558Ile; replaces methionine 558 with isoleucine.
Molecular consequence: missense variant.
Genome position (GRCh38, 1-based): chr10:27,048,941, C>T on the plus strand (G>A on the coding strand, the complement: ANKRD26 is on the minus strand). VCF-style: chr10-27048941-C-T. GRCh37 (hg19) VCF-style: chr10-27337870-C-T.
Other names: c.1674G>A, p.Met558Ile (NM_001256053.2); short protein forms M558I.
Identifiers: ClinVar variation 3913856 (VCV003913856.1).

ClinVar aggregate classification (germline): Uncertain significance (1 of 4 stars; one submission).

Conditions:
Inborn genetic diseases. Identifiers: MedGen C0950123, MeSH D030342.

Submission:

Ambry Genetics
Classification: Uncertain significance for Inborn genetic diseases. Last evaluated: 2025-04-24. Review status: criteria provided, single submitter. Criteria: Ambry Variant Classification Scheme 2023. Collection method: clinical testing. Allele origin: germline.
Comment: The p.M558I variant (also known as c.1674G>A), located in coding exon 17 of the ANKRD26 gene, results from a G to A substitution at nucleotide position 1674. The methionine at codon 558 is replaced by isoleucine, an amino acid with highly similar properties. This amino acid position is conserved. In addition, this alteration is predicted to be tolerated by in silico analysis. Based on the available evidence, the clinical significance of this variant remains unclear.